The following is an entry in ClinVar:

ClinVar aggregate classification (germline): Uncertain significance (1 of 4 stars; one submission).

Allele frequency attached by ClinVar (database versions not stated): gnomAD 0.00001.

Submission:

Labcorp Genetics (formerly Invitae), Labcorp
Classification: Uncertain significance. Last evaluated: 2023-09-06. Review status: criteria provided, single submitter. Criteria: Invitae Variant Classification Sherloc (09022015). Collection method: clinical testing. Allele origin: germline.
Comment: This variant has not been reported in the literature in individuals affected with AFG3L2-related conditions. In summary, the available evidence is currently insufficient to determine the role of this variant in disease. Therefore, it has been classified as a Variant of Uncertain Significance. Advanced modeling of protein sequence and biophysical properties (such as structural, functional, and spatial information, amino acid conservation, physicochemical variation, residue mobility, and thermodynamic stability) performed at Invitae indicates that this missense variant is not expected to disrupt AFG3L2 protein function. This variant is not present in population databases (gnomAD no frequency). This sequence change replaces threonine, which is neutral and polar, with isoleucine, which is neutral and non-polar, at codon 717 of the AFG3L2 protein (p.Thr717Ile).

NM_006796.3(AFG3L2):c.2150C>T (p.Thr717Ile)

Gene: AFG3L2 (AFG3 like matrix AAA peptidase subunit 2; minus strand). Cytogenetic location: 18p11.21.
Variant type: single nucleotide variant.
Coding change: c.2150C>T on transcript NM_006796.3 (MANE Select); coding-DNA position 2150, C replaced by T.
Protein change: p.Thr717Ile; replaces threonine 717 with isoleucine.
Molecular consequence: missense variant.
Genome position (GRCh38, 1-based): chr18:12,337,366, G>A on the plus strand (C>T on the coding strand, the complement: AFG3L2 is on the minus strand). VCF-style: chr18-12337366-G-A. GRCh37 (hg19) VCF-style: chr18-12337365-G-A.
Other names: short protein forms T717I.
Identifiers: ClinVar variation 2788728 (VCV002788728.3), dbSNP rs1907781452, ClinGen allele CA401943657.
Genomic context (GRCh38, chr18:12,337,366, plus strand): 5'-AACTGTAAAGAATTATTCCCACAACTGGCACCTACCTTCTCCACGTCAGCTTTCTTTTCT[G>A]TGAGAAGAGCTACTGTTCTTTTATAAGCATCATTAATAAGTATTCGTACTTCATCATCTA-3'
Protein context (NP_006787.2, residues 707-727): DAYKRTVALL[Thr717Ile]EKKADVEKVA